The following is an entry in ClinVar:

ClinVar aggregate classification (germline): Uncertain significance (1 of 4 stars; one submission).

Submission:

Women's Health and Genetics/Laboratory Corporation of America, LabCorp
Classification: Uncertain significance. Last evaluated: 2025-02-11. Review status: criteria provided, single submitter. Criteria: LabCorp Variant Classification Summary - May 2015. Collection method: clinical testing. Allele origin: germline.
Comment: Variant summary: ANKRD11 c.2834C>T (p.Ala945Val) results in a non-conservative amino acid change in the encoded protein sequence. Four of five in-silico tools predict a benign effect of the variant on protein function. The variant was absent in 250822 control chromosomes. The available data on variant occurrences in the general population are insufficient to allow any conclusion about variant significance. To our knowledge, no occurrence of c.2834C>T in individuals affected with KBG Syndrome and no experimental evidence demonstrating its impact on protein function have been reported. No submitters have cited clinical-significance assessments for this variant to ClinVar. Based on the evidence outlined above, the variant was classified as uncertain significance.

NM_013275.6(ANKRD11):c.2834C>T (p.Ala945Val)

Gene: ANKRD11 (ankyrin repeat domain containing 11; minus strand). Cytogenetic location: 16q24.3.
Variant type: single nucleotide variant.
Coding change: c.2834C>T on transcript NM_013275.6 (MANE Select); coding-DNA position 2834, C replaced by T.
Protein change: p.Ala945Val; replaces alanine 945 with valine.
Molecular consequence: missense variant.
Genome position (GRCh38, 1-based): chr16:89,283,708, G>A on the plus strand (C>T on the coding strand, the complement: ANKRD11 is on the minus strand). VCF-style: chr16-89283708-G-A. GRCh37 (hg19) VCF-style: chr16-89350116-G-A.
Other names: c.2834C>T, p.Ala945Val (NM_001256182.2, NM_001256183.2); short protein forms A945V.
Identifiers: ClinVar variation 3768616 (VCV003768616.1).